The following is an entry in ClinVar:

NM_014738.6(TMEM94):c.2902G>A (p.Val968Met)

Gene: TMEM94 (transmembrane protein 94; plus strand). Cytogenetic location: 17q25.1.
Variant type: single nucleotide variant.
Coding change: c.2902G>A on transcript NM_014738.6 (MANE Select); coding-DNA position 2902, G replaced by A.
Protein change: p.Val968Met; replaces valine 968 with methionine.
Molecular consequence: missense variant.
Genome position (GRCh38, 1-based): chr17:75,495,601, G>A. VCF-style: chr17-75495601-G-A. GRCh37 (hg19) VCF-style: chr17-73491682-G-A.
Other names: c.2932G>A, p.Val978Met (NM_001321148.2); c.2914G>A, p.Val972Met (NM_001321149.2); c.2854G>A, p.Val952Met (NM_001351202.2); c.2929G>A, p.Val977Met (NM_001351203.2); short protein forms V952M, V968M, V972M, V977M, V978M.
Identifiers: ClinVar variation 1321306 (VCV001321306.1), dbSNP rs943499370, ClinGen allele CA401016161.

ClinVar aggregate classification (germline): Uncertain significance (1 of 4 stars; one submission).

Conditions:
Intellectual developmental disorder with cardiac defects and dysmorphic facies (IDDCDF). Identifiers: Orphanet 562569, MedGen C5193024, MONDO:0032672, OMIM 618316.

Submission:

3billion
Classification: Uncertain significance for Intellectual developmental disorder with cardiac defects and dysmorphic facies. Last evaluated: 2021-10-25. Review status: criteria provided, single submitter. Criteria: ACMG Guidelines, 2015. Collection method: clinical testing. Allele origin: paternal. Affected: yes. Observed: 1 heterozygote.
Comment: It is not observed in the gnomAD v2.1.1 dataset (PM2). In silico tool predictions suggest damaging effect of the variant on gene or gene product (REVEL: 0.677, PP3). Therefore, this variant is classified as uncertain significance according to the recommendation of ACMG/AMP guideline.